The following is an entry in ClinVar:

ClinVar aggregate classification (germline): Uncertain significance (1 of 4 stars; one submission).

gnomAD v4.1: 145 of 1,612,704 alleles (0.009%); highest among the groups gnomAD compares: East Asian, 0.098%; no homozygotes.

Submission:

GeneDx
Classification: Uncertain significance. Last evaluated: 2024-12-20. Review status: criteria provided, single submitter. Criteria: GeneDx Variant Classification Process June 2021. Collection method: clinical testing. Allele origin: germline. Affected: yes.
Comment: In silico analysis indicates that this missense variant does not alter protein structure/function; Has not been previously published as pathogenic or benign to our knowledge

NM_003324.5(TULP3):c.1010A>G (p.Tyr337Cys)

Gene: TULP3 (TUB like protein 3; plus strand). Cytogenetic location: 12p13.33.
Variant type: single nucleotide variant.
Coding change: c.1010A>G on transcript NM_003324.5 (MANE Select); coding-DNA position 1010, A replaced by G.
Protein change: p.Tyr337Cys; replaces tyrosine 337 with cysteine.
Molecular consequence: missense variant.
Genome position (GRCh38, 1-based): chr12:2,937,716, A>G. VCF-style: chr12-2937716-A-G. GRCh37 (hg19) VCF-style: chr12-3046882-A-G.
Other names: c.1010A>G, p.Tyr337Cys (NM_001160408.2); short protein forms Y337C.
Identifiers: ClinVar variation 3906764 (VCV003906764.1).